The following is an entry in ClinVar:

ClinVar aggregate classification (germline): Uncertain significance (1 of 4 stars; one submission).

Conditions:
Neuropathy, hereditary sensory and autonomic, type 2A (HSAN2A). Also called: MORVAN DISEASE; NEUROPATHY, CONGENITAL SENSORY; NEUROPATHY, HEREDITARY SENSORY RADICULAR, AUTOSOMAL RECESSIVE; NEUROPATHY, HEREDITARY SENSORY, TYPE IIA; NEUROPATHY, PROGRESSIVE SENSORY, OF CHILDREN; ACROOSTEOLYSIS, GIACCAI TYPE. Identifiers: Orphanet 970, MedGen C2752089, MONDO:0024309, OMIM 201300.
Generalized epilepsy with febrile seizures plus, type 7 (GEFSP7). Also called: GEFS+, TYPE 7. Identifiers: Orphanet 36387, MedGen C2751778, MONDO:0013470, OMIM 613863.

Submission:

Labcorp Genetics (formerly Invitae), Labcorp
Classification: Uncertain significance for Neuropathy, hereditary sensory and autonomic, type 2A; Generalized epilepsy with febrile seizures plus, type 7. Last evaluated: 2023-02-26. Review status: criteria provided, single submitter. Criteria: Invitae Variant Classification Sherloc (09022015). Collection method: clinical testing. Allele origin: germline.
Comment: In summary, the available evidence is currently insufficient to determine the role of this variant in disease. Therefore, it has been classified as a Variant of Uncertain Significance. Advanced modeling of protein sequence and biophysical properties (such as structural, functional, and spatial information, amino acid conservation, physicochemical variation, residue mobility, and thermodynamic stability) performed at Invitae indicates that this missense variant is not expected to disrupt SCN9A protein function. This variant has not been reported in the literature in individuals affected with SCN9A-related conditions. This variant is not present in population databases (gnomAD no frequency). This sequence change replaces asparagine, which is neutral and polar, with serine, which is neutral and polar, at codon 206 of the SCN9A protein (p.Asn206Ser).

NM_001365536.1(SCN9A):c.617A>G (p.Asn206Ser)

Gene: SCN9A (sodium voltage-gated channel alpha subunit 9; minus strand). Cytogenetic location: 2q24.3.
Variant type: single nucleotide variant.
Coding change: c.617A>G on transcript NM_001365536.1 (MANE Select); coding-DNA position 617, A replaced by G.
Protein change: p.Asn206Ser; replaces asparagine 206 with serine.
Molecular consequence: missense variant.
Genome position (GRCh38, 1-based): chr2:166,304,309, T>C on the plus strand (A>G on the coding strand, the complement: SCN9A is on the minus strand). VCF-style: chr2-166304309-T-C. GRCh37 (hg19) VCF-style: chr2-167160819-T-C.
Other names: c.617A>G, p.Asn206Ser (NM_002977.4); short protein forms N206S.
Identifiers: ClinVar variation 2935251 (VCV002935251.3), dbSNP rs2468123835, ClinGen allele CA349094307.